The following is an entry in ClinVar:

NM_007272.3(CTRC):c.467A>C (p.Tyr156Ser)

Gene: CTRC (chymotrypsin C; plus strand). Cytogenetic location: 1p36.21.
Variant type: single nucleotide variant.
Coding change: c.467A>C on transcript NM_007272.3 (MANE Select); coding-DNA position 467, A replaced by C.
Protein change: p.Tyr156Ser; replaces tyrosine 156 with serine.
Molecular consequence: missense variant.
Genome position (GRCh38, 1-based): chr1:15,443,529, A>C. VCF-style: chr1-15443529-A-C. GRCh37 (hg19) VCF-style: chr1-15770024-A-C.
Other names: short protein forms Y156S.
Identifiers: ClinVar variation 4842301 (VCV004842301.1).

ClinVar aggregate classification (germline): Uncertain significance (1 of 4 stars; one submission).

Conditions:
Hereditary pancreatitis (PCTT). Also called: Hereditary chronic pancreatitis; PRSS1-Related Hereditary Pancreatitis. Identifiers: Orphanet 676, MedGen C0238339, MONDO:0008185, OMIM 167800.

Submission:

Ambry Genetics
Classification: Uncertain significance for Hereditary pancreatitis. Last evaluated: 2025-12-16. Review status: criteria provided, single submitter. Criteria: Ambry Variant Classification Scheme 2023. Collection method: clinical testing. Allele origin: germline.
Comment: The p.Y156S variant (also known as c.467A>C), located in coding exon 5 of the CTRC gene, results from an A to C substitution at nucleotide position 467. The tyrosine at codon 156 is replaced by serine, an amino acid with dissimilar properties. This amino acid position is conserved. In addition, the in silico prediction for this alteration is inconclusive. Based on the available evidence, the clinical significance of this variant remains unclear.